The following is an entry in ClinVar:

NM_000701.8(ATP1A1):c.13G>T (p.Val5Phe)

Gene: ATP1A1 (ATPase Na+/K+ transporting subunit alpha 1; plus strand). Cytogenetic location: 1p13.1.
Variant type: single nucleotide variant.
Coding change: c.13G>T on transcript NM_000701.8 (MANE Select); coding-DNA position 13, G replaced by T.
Protein change: p.Val5Phe; replaces valine 5 with phenylalanine.
Molecular consequence: missense variant. On other transcripts: 5 prime UTR variant (1).
Genome position (GRCh38, 1-based): chr1:116,384,014, G>T. VCF-style: chr1-116384014-G-T. GRCh37 (hg19) VCF-style: chr1-116926636-G-T.
Other names: c.13G>T, p.Val5Phe (NM_001160233.2); c.-81G>T (NM_001160234.2); c.13G>T (NM_001160233.1); short protein forms V5F.
Identifiers: ClinVar variation 1517330 (VCV001517330.7), dbSNP rs756724088, ClinGen allele CA1024999.

ClinVar aggregate classification (germline): Conflicting classifications of pathogenicity. Review status: criteria provided, conflicting classifications (1 of 4 stars). 2 submissions from 2 submitters: Uncertain significance (1); Likely benign (1). Last evaluated 2025-11-03.

Conditions:
Inborn genetic diseases. Identifiers: MedGen C0950123, MeSH D030342.

Allele frequency attached by ClinVar (database versions not stated): gnomAD exomes 0.00001 and 0.00002; ExAC 0.00002; gnomAD 0.00002 and 0.00003; TOPMed 0.00002.
gnomAD v4.1: 22 of 1,613,576 alleles (0.0014%); highest among the groups gnomAD compares: Middle Eastern, 0.033%; no homozygotes.

Submissions (2):

Labcorp Genetics (formerly Invitae), Labcorp
Classification: Uncertain significance. Last evaluated: 2025-11-03. Review status: criteria provided, single submitter. Criteria: Invitae Variant Classification Sherloc (09022015). Collection method: clinical testing. Allele origin: germline.
Comment: This sequence change replaces valine, which is neutral and non-polar, with phenylalanine, which is neutral and non-polar, at codon 5 of the ATP1A1 protein (p.Val5Phe). This variant is present in population databases (rs756724088, gnomAD 0.01%). This variant has not been reported in the literature in individuals affected with ATP1A1-related conditions. ClinVar contains an entry for this variant (Variation ID: 1517330). Invitae Evidence Modeling of protein sequence and biophysical properties (such as structural, functional, and spatial information, amino acid conservation, physicochemical variation, residue mobility, and thermodynamic stability) indicates that this missense variant is not expected to disrupt ATP1A1 protein function with a negative predictive value of 95%. In summary, the available evidence is currently insufficient to determine the role of this variant in disease. Therefore, it has been classified as a Variant of Uncertain Significance.

Ambry Genetics
Classification: Likely benign for Inborn genetic diseases. Last evaluated: 2023-06-26. Review status: criteria provided, single submitter. Criteria: Ambry Variant Classification Scheme 2023. Collection method: clinical testing. Allele origin: germline.